The following is an entry in ClinVar:

ClinVar aggregate classification (germline): Likely benign. Review status: criteria provided, multiple submitters, no conflicts (2 of 4 stars). 4 submissions from 4 submitters: Likely benign (4). Last evaluated 2026-08-02.

Conditions:
RASopathy. Also called: Noonan spectrum disorder; rasopathies. Identifiers: Orphanet 536391, MedGen C5555857, MONDO:0021060.
MAP2K1-related disorder. Also called: MAP2K1-related disorders; MAP2K1-related condition.
Cardiovascular phenotype. Identifiers: MedGen CN230736.

Allele frequency attached by ClinVar (database versions not stated): gnomAD exomes 0.00001 and 0.00003; ExAC 0.00004; gnomAD 0.00004 and 0.00005; TOPMed 0.00005; 1000 Genomes Project 30x 0.00031; 1000 Genomes Project 0.00040.
gnomAD v4.1: 27 of 1,613,854 alleles (0.0017%); highest among the groups gnomAD compares: African/African-American, 0.0093%; no homozygotes.

Submissions (4):

PreventionGenetics, part of Exact Sciences
Classification: Likely benign for MAP2K1-related condition. Last evaluated: 2026-08-02. Review status: criteria provided, single submitter. Criteria: ACMG Guidelines, 2015. Collection method: clinical testing. Allele origin: germline.
Comment: This variant is classified as likely benign based on ACMG/AMP sequence variant interpretation guidelines (Richards et al. 2015 PMID: 25741868, with internal and published modifications).

Labcorp Genetics (formerly Invitae), Labcorp
Classification: Likely benign for RASopathy. Last evaluated: 2025-12-01. Review status: criteria provided, single submitter. Criteria: Invitae Variant Classification Sherloc (09022015). Collection method: clinical testing. Allele origin: germline.

Blueprint Genetics
Classification: Likely benign. Last evaluated: 2024-09-02. Review status: criteria provided, single submitter. Criteria: ACMG Guidelines, 2015. Collection method: clinical testing. Allele origin: germline.

Ambry Genetics
Classification: Likely benign for Cardiovascular phenotype. Last evaluated: 2019-10-20. Review status: criteria provided, single submitter. Criteria: Ambry Variant Classification Scheme 2023. Collection method: clinical testing. Allele origin: germline.

NM_002755.4(MAP2K1):c.1038C>T (p.Pro346=)

Gene: MAP2K1 (mitogen-activated protein kinase kinase 1; plus strand). Cytogenetic location: 15q22.31.
Variant type: single nucleotide variant.
Coding change: c.1038C>T on transcript NM_002755.4 (MANE Select); coding-DNA position 1038, C replaced by T.
Protein change: p.Pro346=; no amino-acid change (proline 346 retained).
Molecular consequence: synonymous variant.
Genome position (GRCh38, 1-based): chr15:66,489,733, C>T. VCF-style: chr15-66489733-C-T. GRCh37 (hg19) VCF-style: chr15-66782071-C-T.
Identifiers: ClinVar variation 1087058 (VCV001087058.13), dbSNP rs547178339, ClinGen allele CA7624097.